The following is an entry in ClinVar:

NM_000027.4(AGA):c.488G>C (p.Cys163Ser)

Gene: AGA (aspartylglucosaminidase; minus strand). Cytogenetic location: 4q34.3.
Variant type: single nucleotide variant.
Coding change: c.488G>C on transcript NM_000027.4 (MANE Select); coding-DNA position 488, G replaced by C.
Protein change: p.Cys163Ser; replaces cysteine 163 with serine.
Molecular consequence: missense variant. On other transcripts: non-coding transcript variant (1).
Genome position (GRCh38, 1-based): chr4:177,438,764, C>G on the plus strand (G>C on the coding strand, the complement: AGA is on the minus strand). VCF-style: chr4-177438764-C-G. GRCh37 (hg19) VCF-style: chr4-178359918-C-G.
Other names: c.488G>C, p.Cys163Ser (NM_001171988.2); short protein forms C163S.
Identifiers: ClinVar variation 219 (VCV000000219.26), dbSNP rs121964904, ClinGen allele CA114055.
Genomic context (GRCh38, chr4:177,438,764, plus strand): 5'-TTTTCAATTAACTTATTTTTTTAAATTAAATGTGTGCATACCCTCCAATAATTTGGCTGG[C>G]AATTCCGAGCAAGCCAATCTGAATGAAGAGCTTGAGAAGCAGTGGTAGATAAGTCTTCAT-3'
Protein context (NP_000018.2, residues 153-173): ALHSDWLARN[Cys163Ser]QPNYWRNVIP

ClinVar aggregate classification (germline): Pathogenic. Review status: criteria provided, multiple submitters, no conflicts (2 of 4 stars). 9 submissions from 9 submitters: Pathogenic (6). 3 of the submissions do not count toward it. Last evaluated 2024-11-23.

Conditions:
AGA-related disorder. Also called: AGA-related condition.
ASPARTYLGLUCOSAMINURIA, FINNISH TYPE. Identifiers: MedGen C4017301.
Aspartylglucosaminuria (AGU). Also called: AGA DEFICIENCY; GLYCOASPARAGINASE; GLYCOSYLASPARAGINASE DEFICIENCY; Aspartylglucos-aminuria; Aspartylglucos-amidase (AGA) deficiency. Identifiers: Orphanet 93, MedGen C0268225, MONDO:0008830, OMIM 208400, HP:0012068.

Allele frequency attached by ClinVar (database versions not stated): 1000 Genomes Project 0.00040; ExAC 0.00064; TOPMed 0.00001; 1000 Genomes Project 30x 0.00031; gnomAD 0.00054 and 0.00055; gnomAD exomes 0.00078.
gnomAD v4.1: 555 of 1,602,166 alleles (0.035%); highest among the groups gnomAD compares: Non-Finnish European, 0.0032%; no homozygotes.

Submissions (9):

Blueprint Genetics
Classification: Pathogenic for AGA-related disorders. Last evaluated: 2024-11-23. Review status: criteria provided, single submitter. Criteria: ACMG Guidelines, 2015. Collection method: clinical testing. Allele origin: germline. Affected: yes. Observed: 5 variant alleles.

Labcorp Genetics (formerly Invitae), Labcorp
Classification: Pathogenic for Aspartylglucosaminuria. Last evaluated: 2024-03-16. Review status: criteria provided, single submitter. Criteria: Invitae Variant Classification Sherloc (09022015). Collection method: clinical testing. Allele origin: germline.
Comment: This sequence change replaces cysteine, which is neutral and slightly polar, with serine, which is neutral and polar, at codon 163 of the AGA protein (p.Cys163Ser). This variant is present in population databases (rs121964904, gnomAD 0.8%), and has an allele count higher than expected for a pathogenic variant. This missense change has been observed in individual(s) with aspartylglucosaminuria (PMID: 1703489, 1904874, 2011603, 7627186, 11309371, 21228398). In at least one individual the data is consistent with being in trans (on the opposite chromosome) from a pathogenic variant. It has also been observed to segregate with disease in related individuals. This variant is also known as AGAFin. ClinVar contains an entry for this variant (Variation ID: 219). Advanced modeling of protein sequence and biophysical properties (such as structural, functional, and spatial information, amino acid conservation, physicochemical variation, residue mobility, and thermodynamic stability) performed at Invitae indicates that this missense variant is expected to disrupt AGA protein function with a positive predictive value of 80%. Experimental studies have shown that this missense change affects AGA function (PMID: 1765378, 1904874, 8172656). For these reasons, this variant has been classified as Pathogenic.

GeneDx
Classification: Pathogenic. Last evaluated: 2022-05-02. Review status: criteria provided, single submitter. Criteria: GeneDx Variant Classification Process June 2021. Collection method: clinical testing. Allele origin: germline. Affected: yes.
Comment: Functional analysis found this variant is associated with significantly reduced aspartylglucosaminidase activity (Fisher et al., 1991; Riikonen et al., 1994); In silico analysis supports that this missense variant has a deleterious effect on protein structure/function; This variant is associated with the following publications: (PMID: 2011603, 21228398, 1904874, 1559710, 11309371, 8064811, 27876883, 33726816, 1765378, 9742145, 8172656, 7627186, 1703489)

Fulgent Genetics
Classification: Pathogenic for Aspartylglucosaminuria. Last evaluated: 2022-03-15. Review status: criteria provided, single submitter. Criteria: ACMG Guidelines, 2015. Collection method: clinical testing. Allele origin: unknown.

Women's Health and Genetics/Laboratory Corporation of America, LabCorp
Classification: Pathogenic for Aspartylglucosaminuria. Last evaluated: 2020-12-16. Review status: criteria provided, single submitter. Criteria: LabCorp Variant Classification Summary - May 2015. Collection method: clinical testing. Allele origin: germline.
Comment: Variant summary: AGA c.488G>C (p.Cys163Ser) results in a non-conservative amino acid change in the encoded protein sequence. Five of five in-silico tools predict a damaging effect of the variant on protein function. The variant allele was found at a frequency of 0.00078 in 251288 control chromosomes, predominantly at a frequency of 0.00014 within the Non-Finnish European subpopulation in the gnomAD database. The available data on variant occurrences in the general population are insufficient to allow any conclusion about variant significance. c.488G>C has been reported in the literature in the compound heterozygous and homozygous state in multiple individuals affected with Aspartylglucosaminuria (Fisher_1991, Ikonen_1991, Tollersrud_1994, Saarela_2001). These data indicate that the variant is very likely to be associated with disease. Functional studies report this variant impaired processing of the precursor molecule into subunits and reduced AGA activity (Fish_1991, Riikonen_1994, Banning_2016). Three ClinVar submitters (evaluation after 2014) cite the variant as pathogenic (2x) and likely pathogenic (1x). Based on the evidence outlined above, the variant was classified as pathogenic.

Myriad Genetics, Inc.
Classification: Pathogenic for Aspartylglucosaminuria. Last evaluated: 2019-12-19. Review status: criteria provided, single submitter. Criteria: Myriad Women's Health Autosomal Recessive and X-Linked Classification Criteria (2019). Collection method: clinical testing. Allele origin: unknown.
Comment: NM_000027.3(AGA):c.488G>C(C163S) is classified as pathogenic in the context of aspartylglucosaminuria. Sources cited for classification include the following: PMID 11309371, 1904874, 1559710, 1765378 and 9742145. Classification of NM_000027.3(AGA):c.488G>C(C163S) is based on the following criteria: This is a well-established pathogenic variant in the literature that has been observed more frequently in patients with clinical diagnoses than in healthy populations. Please note: this variant was assessed in the context of healthy population screening.

Natera, Inc.
Classification: Pathogenic for Aspartylglucosaminuria. Last evaluated: 2020-10-14. Review status: no assertion criteria provided. Collection method: clinical testing. Allele origin: germline. Not counted in ClinVar's aggregate classification.

Reproductive Health Research and Development, BGI Genomics
Classification: Likely pathogenic for Aspartylglucosaminuria. Last evaluated: 2020-01-06. Review status: no assertion criteria provided. Collection method: curation. Allele origin: germline. Not counted in ClinVar's aggregate classification.
Comment: NM_000027.3:c.488G>C in the AGA gene has an allele frequency of 0.008 in European (Finnish) subpopulation in the gnomAD database. The c.488G>C (p.Cys163Ser) variant has been reported previously in the compound heterozygous states (C163S/R161Q) in association with aspartylglucosaminuria (PMID: 1904874; 7627186; 2011603). In vitro functional studies demonstrated that p.Cys163Ser results in deficient enzyme activity (PMID: 1904874; 1765378). Taken together, we interprete this variant as Pathogenic/Likely pathogenic variant. ACMG/AMP Criteria applied: PM3; PS3; PP4.

OMIM
Classification: Pathogenic for ASPARTYLGLUCOSAMINURIA, FINNISH TYPE. Last evaluated: 1995-01-01. Review status: no assertion criteria provided. Collection method: literature only. Allele origin: germline. Not counted in ClinVar's aggregate classification.

Literature cited by the submitters: PubMed 1703489 (cited by Labcorp Genetics (formerly Invitae), Labcorp and Women's Health and Genetics/Laboratory Corporation of America, LabCorp); PubMed 1904874 (cited by 4 submitters); PubMed 2011603 (cited by Labcorp Genetics (formerly Invitae), Labcorp and OMIM); PubMed 7627186 (cited by Labcorp Genetics (formerly Invitae), Labcorp and OMIM); PubMed 11309371 (cited by 3 submitters); PubMed 21228398 (cited by Labcorp Genetics (formerly Invitae), Labcorp); PubMed 1765378 (cited by 3 submitters); PubMed 8172656 (cited by Labcorp Genetics (formerly Invitae), Labcorp and Women's Health and Genetics/Laboratory Corporation of America, LabCorp); PubMed 9742145 (cited by Women's Health and Genetics/Laboratory Corporation of America, LabCorp and Myriad Genetics, Inc.); PubMed 8064811 (cited by Women's Health and Genetics/Laboratory Corporation of America, LabCorp); PubMed 27876883 (cited by Women's Health and Genetics/Laboratory Corporation of America, LabCorp); PubMed 1559710 (cited by Myriad Genetics, Inc.); Fisher, K. J., Tollersrud, O. K., Aronson, N. N., Jr. Molecular genetics of aspartylglucosaminuria. (Abstract) Nucleic Acids Res. Symp. 23: 8-only, 1991. (cited by OMIM).